The following is an entry in ClinVar:

ClinVar aggregate classification (germline): Uncertain significance (1 of 4 stars; one submission).

Conditions:
Severe combined immunodeficiency due to CORO1A deficiency. Also called: IMMUNODEFICIENCY 8 WITH LYMPHOPROLIFERATION; Immunodeficiency 8. Identifiers: Orphanet 228003, MedGen C3809383, MONDO:0014168, OMIM 615401.

Allele frequency attached by ClinVar (database versions not stated): gnomAD 0.00005; ESP Exome Variant Server 0.00015; ExAC 0.00002; TOPMed 0.00004.
gnomAD v4.1: 40 of 1,499,360 alleles (0.0027%); highest among the groups gnomAD compares: South Asian, 0.0045%; no homozygotes.

Submission:

Labcorp Genetics (formerly Invitae), Labcorp
Classification: Uncertain significance for Severe combined immunodeficiency due to CORO1A deficiency. Last evaluated: 2022-07-20. Review status: criteria provided, single submitter. Criteria: Invitae Variant Classification Sherloc (09022015). Collection method: clinical testing. Allele origin: germline.
Comment: This sequence change replaces arginine, which is basic and polar, with tryptophan, which is neutral and slightly polar, at codon 408 of the CORO1A protein (p.Arg408Trp). This variant is present in population databases (rs373093101, gnomAD 0.003%). This variant has not been reported in the literature in individuals affected with CORO1A-related conditions. ClinVar contains an entry for this variant (Variation ID: 1024414). Algorithms developed to predict the effect of missense changes on protein structure and function are either unavailable or do not agree on the potential impact of this missense change (SIFT: "Deleterious"; PolyPhen-2: "Possibly Damaging"; Align-GVGD: "Class C0"). In summary, the available evidence is currently insufficient to determine the role of this variant in disease. Therefore, it has been classified as a Variant of Uncertain Significance.

NM_007074.4(CORO1A):c.1222C>T (p.Arg408Trp)

Gene: CORO1A (coronin 1A; plus strand). Cytogenetic location: 16p11.2.
Variant type: single nucleotide variant.
Coding change: c.1222C>T on transcript NM_007074.4 (MANE Select); coding-DNA position 1222, C replaced by T.
Protein change: p.Arg408Trp; replaces arginine 408 with tryptophan.
Molecular consequence: missense variant.
Genome position (GRCh38, 1-based): chr16:30,188,517, C>T. VCF-style: chr16-30188517-C-T. GRCh37 (hg19) VCF-style: chr16-30199838-C-T.
Other names: c.1222C>T, p.Arg408Trp (NM_001193333.3); short protein forms R408W.
Identifiers: ClinVar variation 1024414 (VCV001024414.4), dbSNP rs373093101, ClinGen allele CA8003424.